The following is an entry in ClinVar:

NM_001258392.3(CLPB):c.4C>G (p.Leu2Val)

Genes: CLPB (ClpB family mitochondrial disaggregase; minus strand), LOC130006336 (ATAC-STARR-seq lymphoblastoid active region 5191; plus strand). Cytogenetic location: 11q13.4.
Variant type: single nucleotide variant.
Coding change: c.4C>G on transcript NM_001258392.3 (MANE Select); coding-DNA position 4, C replaced by G.
Protein change: p.Leu2Val; replaces leucine 2 with valine.
Molecular consequence: missense variant. On other transcripts: 5 prime UTR variant (1).
Genome position (GRCh38, 1-based): chr11:72,434,471, G>C on the plus strand (C>G on the coding strand, the complement: CLPB is on the minus strand). VCF-style: chr11-72434471-G-C. GRCh37 (hg19) VCF-style: chr11-72145515-G-C.
Other names: c.4C>G, p.Leu2Val (NM_001258393.3, NM_030813.6); c.-239C>G (NM_001258394.3); short protein forms L2V.
Identifiers: ClinVar variation 2662612 (VCV002662612.1), dbSNP rs139584512, ClinGen allele CA224518984.
Genomic context (GRCh38, chr11:72,434,471, plus strand): 5'-TGAGCAGCCGGAGGAGTAGCCGTGGCGCCAGTGCTTTTCTCCTCAACACCAGGGACCCCA[G>C]CATCTTGACAGCTGCTTCGATAACCCCGTGGTGCCGGCCCCTGTGCTGACCACGTCCAAC-3'
Protein context (NP_001245321.1, residues 1-12): M[Leu2Val]GSLVLRRKAL

ClinVar aggregate classification (germline): Uncertain significance (1 of 4 stars; one submission).

Allele frequency attached by ClinVar (database versions not stated): gnomAD 0.00001; TOPMed 0.00001; ESP Exome Variant Server 0.00008.
gnomAD v4.1: 13 of 1,536,892 alleles (0.00085%); highest among the groups gnomAD compares: African/African-American, 0.0028%; no homozygotes.

Submission:

GeneDx
Classification: Uncertain significance. Last evaluated: 2023-04-21. Review status: criteria provided, single submitter. Criteria: GeneDx Variant Classification Process June 2021. Collection method: clinical testing. Allele origin: germline. Affected: yes.
Comment: Not observed at significant frequency in large population cohorts (gnomAD); In silico analysis supports that this missense variant does not alter protein structure/function; Has not been previously published as pathogenic or benign to our knowledge